The following is an entry in ClinVar:

NM_021956.5(GRIK2):c.1523A>G (p.His508Arg)

Gene: GRIK2 (glutamate ionotropic receptor kainate type subunit 2; plus strand). Cytogenetic location: 6q16.3.
Variant type: single nucleotide variant.
Coding change: c.1523A>G on transcript NM_021956.5 (MANE Select); coding-DNA position 1523, A replaced by G.
Protein change: p.His508Arg; replaces histidine 508 with arginine.
Molecular consequence: missense variant.
Genome position (GRCh38, 1-based): chr6:101,859,492, A>G. VCF-style: chr6-101859492-A-G. GRCh37 (hg19) VCF-style: chr6-102307367-A-G.
Other names: c.1523A>G, p.His508Arg (NM_001166247.1, NM_175768.3); short protein forms H508R.
Identifiers: ClinVar variation 3365235 (VCV003365235.1).
Genomic context (GRCh38, chr6:101,859,492, plus strand): 5'-ATGGAGCCCAGGATGATGCCAATGGACAATGGAATGGAATGGTTCGTGAACTAATTGATC[A>G]TGTAAGTCCCTTCCCTCATGATTTATTAGTTTGTTATGTTGCTACAAGGTTTACTCTTTT-3'
Protein context (NP_068775.1, residues 498-518): WNGMVRELID[His508Arg]KADLAVAPLA

ClinVar aggregate classification (germline): Uncertain significance (1 of 4 stars; one submission).

gnomAD v4.1: 2 of 1,549,018 alleles (0.00013%); highest among the groups gnomAD compares: Admixed American, 0.0033%; 1 homozygote.

Submission:

GeneDx
Classification: Uncertain significance. Last evaluated: 2023-12-06. Review status: criteria provided, single submitter. Criteria: GeneDx Variant Classification Process June 2021. Collection method: clinical testing. Allele origin: germline. Affected: yes.
Comment: Not observed at significant frequency in large population cohorts (gnomAD); In silico analysis supports that this missense variant has a deleterious effect on protein structure/function; Has not been previously published as pathogenic or benign to our knowledge